The following is an entry in ClinVar:

NM_021629.4(GNB4):c.125G>A (p.Arg42Gln)

Gene: GNB4 (G protein subunit beta 4; minus strand). Cytogenetic location: 3q26.33.
Variant type: single nucleotide variant.
Coding change: c.125G>A on transcript NM_021629.4 (MANE Select); coding-DNA position 125, G replaced by A.
Protein change: p.Arg42Gln; replaces arginine 42 with glutamine.
Molecular consequence: missense variant.
Genome position (GRCh38, 1-based): chr3:179,419,477, C>T on the plus strand (G>A on the coding strand, the complement: GNB4 is on the minus strand). VCF-style: chr3-179419477-C-T. GRCh37 (hg19) VCF-style: chr3-179137265-C-T.
Other names: short protein forms R42Q.
Identifiers: ClinVar variation 1025619 (VCV001025619.6), dbSNP rs749082388, ClinGen allele CA2712573.

ClinVar aggregate classification (germline): Uncertain significance (1 of 4 stars; one submission).

Conditions:
Charcot-Marie-Tooth disease dominant intermediate F. Identifiers: Orphanet 352670, MedGen C4749463, MONDO:0014074, OMIM 615185.

Allele frequency attached by ClinVar (database versions not stated): gnomAD exomes 0.00001 and 0.00003; TOPMed 0.00002; ExAC 0.00003.

Submission:

Labcorp Genetics (formerly Invitae), Labcorp
Classification: Uncertain significance for Charcot-Marie-Tooth disease dominant intermediate F. Last evaluated: 2024-04-12. Review status: criteria provided, single submitter. Criteria: Invitae Variant Classification Sherloc (09022015). Collection method: clinical testing. Allele origin: germline.
Comment: This sequence change replaces arginine, which is basic and polar, with glutamine, which is neutral and polar, at codon 42 of the GNB4 protein (p.Arg42Gln). This variant is present in population databases (rs749082388, gnomAD 0.009%). This missense change has been observed in individual(s) with Charcot-Marie-Tooth disease (PMID: 27549087). ClinVar contains an entry for this variant (Variation ID: 1025619). Advanced modeling of protein sequence and biophysical properties (such as structural, functional, and spatial information, amino acid conservation, physicochemical variation, residue mobility, and thermodynamic stability) performed at Invitae indicates that this missense variant is not expected to disrupt GNB4 protein function with a negative predictive value of 80%. Algorithms developed to predict the effect of sequence changes on RNA splicing suggest that this variant may disrupt the consensus splice site. In summary, the available evidence is currently insufficient to determine the role of this variant in disease. Therefore, it has been classified as a Variant of Uncertain Significance.

Literature cited by the submitters: PubMed 27549087.